The following is an entry in ClinVar:

ClinVar aggregate classification (germline): Uncertain significance (1 of 4 stars; one submission).

Allele frequency attached by ClinVar (database versions not stated): gnomAD 0.00001; gnomAD exomes 0.00001; TOPMed 0.00003.
gnomAD v4.1: 19 of 1,613,954 alleles (0.0012%); highest among the groups gnomAD compares: Admixed American, 0.01%; no homozygotes.

Submission:

Labcorp Genetics (formerly Invitae), Labcorp
Classification: Uncertain significance. Last evaluated: 2025-10-04. Review status: criteria provided, single submitter. Criteria: Invitae Variant Classification Sherloc (09022015). Collection method: clinical testing. Allele origin: germline.
Comment: This sequence change replaces arginine, which is basic and polar, with glutamine, which is neutral and polar, at codon 941 of the RNF31 protein (p.Arg941Gln). This variant is present in population databases (no rsID available, gnomAD 0.01%). This variant has not been reported in the literature in individuals affected with RNF31-related conditions. ClinVar contains an entry for this variant (Variation ID: 2076715). An algorithm developed to predict the effect of missense changes on protein structure and function (PolyPhen-2) suggests that this variant is likely to be tolerated. In summary, the available evidence is currently insufficient to determine the role of this variant in disease. Therefore, it has been classified as a Variant of Uncertain Significance.

NM_017999.5(RNF31):c.2822G>A (p.Arg941Gln)

Gene: RNF31 (ring finger protein 31; plus strand). Cytogenetic location: 14q12.
Variant type: single nucleotide variant.
Coding change: c.2822G>A on transcript NM_017999.5 (MANE Select); coding-DNA position 2822, G replaced by A.
Protein change: p.Arg941Gln; replaces arginine 941 with glutamine.
Molecular consequence: missense variant.
Genome position (GRCh38, 1-based): chr14:24,157,992, G>A. VCF-style: chr14-24157992-G-A. GRCh37 (hg19) VCF-style: chr14-24627201-G-A.
Other names: c.2369G>A, p.Arg790Gln (NM_001310332.2); short protein forms R941Q, R790Q.
Identifiers: ClinVar variation 2076715 (VCV002076715.4), dbSNP rs916906229, ClinGen allele CA257873956.
Genomic context (GRCh38, chr14:24,157,992, plus strand): 5'-CCCTGCACGGCCACCACCCTCGAGACTGCCTCTTCTACCTGCGGGACTGGACTGCTCTCC[G>A]GCTTCAGAAGCTGCTACAGGTCAGAGGTGGCCAGGAGAGAAGAAGACAGGGCCCAGGGTG-3'
Protein context (NP_060469.4, residues 931-951): LFYLRDWTAL[Arg941Gln]LQKLLQDNNV